The following is an entry in ClinVar:

NM_001267550.2(TTN):c.58690G>T (p.Asp19564Tyr)

Genes: TTN (titin; minus strand), TTN-AS1 (TTN antisense RNA 1; plus strand). Cytogenetic location: 2q31.2.
Variant type: single nucleotide variant.
Coding change: c.58690G>T on transcript NM_001267550.2 (MANE Select); coding-DNA position 58690, G replaced by T.
Protein change: p.Asp19564Tyr; replaces aspartic acid 19564 with tyrosine.
Molecular consequence: missense variant.
Genome position (GRCh38, 1-based): chr2:178,593,610, C>A on the plus strand (G>T on the coding strand, the complement: TTN is on the minus strand). VCF-style: chr2-178593610-C-A. GRCh37 (hg19) VCF-style: chr2-179458337-C-A.
Other names: c.53767G>T, p.Asp17923Tyr (NM_001256850.1); c.31495G>T, p.Asp10499Tyr (NM_003319.4); c.50986G>T, p.Asp16996Tyr (NM_133378.4); c.31870G>T, p.Asp10624Tyr (NM_133432.3); c.32071G>T, p.Asp10691Tyr (NM_133437.4); short protein forms D10499Y, D10624Y, D10691Y, D16996Y, D17923Y, D19564Y.
Identifiers: ClinVar variation 4874160 (VCV004874160.2).
Genomic context (GRCh38, chr2:178,593,610, plus strand): 5'-AAGAAACATAATGCATACTGAAACGATCTTTGGCTTTCATTGAATCAGACACCAGAGGAT[C>A]ACTTATTCCATACAGATTTTCAGCATGTATCCGGAAAATATAATCTTTTCCTTCAAGTAG-3'
Protein context (NP_001254479.2, residues 19554-19574): IHAENLYGIS[Asp19564Tyr]PLVSDSMKAK

ClinVar aggregate classification (germline): Uncertain significance (1 of 4 stars; one submission).

gnomAD v4.1: 2 of 1,612,820 alleles (0.00012%); highest among the groups gnomAD compares: Middle Eastern, 0.017%; no homozygotes.

Submission:

CeGaT Center for Human Genetics Tuebingen
Classification: Uncertain significance. Last evaluated: 2026-04-01. Review status: criteria provided, single submitter. Criteria: CeGaT Center For Human Genetics Tuebingen Variant Classification Criteria Version 2. Collection method: clinical testing. Allele origin: germline. Affected: yes. Observed: 1 variant allele.
Comment: TTN: PM2